The following is an entry in ClinVar:

ClinVar aggregate classification (germline): Uncertain significance (1 of 4 stars; one submission).

Conditions:
Inborn genetic diseases. Identifiers: MedGen C0950123, MeSH D030342.

Submission:

Ambry Genetics
Classification: Uncertain significance for Inborn genetic diseases. Last evaluated: 2021-10-22. Review status: criteria provided, single submitter. Criteria: Ambry Variant Classification Scheme 2023. Collection method: clinical testing. Allele origin: germline.
Comment: The p.V111G variant (also known as c.332T>G), located in coding exon 1 of the HSPB1 gene, results from a T to G substitution at nucleotide position 332. The valine at codon 111 is replaced by glycine, an amino acid with dissimilar properties. This amino acid position is conserved. In addition, this alteration is predicted to be deleterious by in silico analysis. Since supporting evidence is limited at this time, the clinical significance of this alteration remains unclear.

NM_001540.5(HSPB1):c.332T>G (p.Val111Gly)

Gene: HSPB1 (heat shock protein family B (small) member 1; plus strand). Cytogenetic location: 7q11.23.
Variant type: single nucleotide variant.
Coding change: c.332T>G on transcript NM_001540.5 (MANE Select); coding-DNA position 332, T replaced by G.
Protein change: p.Val111Gly; replaces valine 111 with glycine.
Molecular consequence: missense variant.
Genome position (GRCh38, 1-based): chr7:76,303,044, T>G. VCF-style: chr7-76303044-T-G. GRCh37 (hg19) VCF-style: chr7-75932361-T-G.
Other names: short protein forms V111G.
Identifiers: ClinVar variation 1730306 (VCV001730306.2), dbSNP rs2536149750, ClinGen allele CA367763635.
Genomic context (GRCh38, chr7:76,303,044, plus strand): 5'-CTGCGGACCGCTGGCGCGTGTCCCTGGATGTCAACCACTTCGCCCCGGACGAGCTGACGG[T>G]CAAGACCAAGGATGGCGTGGTGGAGATCACCGGTGAGCCCCCCTGCTCCTGCAGGGGAGA-3'
Protein context (NP_001531.1, residues 101-121): VNHFAPDELT[Val111Gly]KTKDGVVEIT